The following is an entry in ClinVar:

NM_001128228.3(TPRN):c.334G>T (p.Ala112Ser)

Genes: TPRN (taperin; minus strand), LOC130003092 (ATAC-STARR-seq lymphoblastoid silent region 20589; plus strand). Cytogenetic location: 9q34.3.
Variant type: single nucleotide variant.
Coding change: c.334G>T on transcript NM_001128228.3 (MANE Select); coding-DNA position 334, G replaced by T.
Protein change: p.Ala112Ser; replaces alanine 112 with serine.
Molecular consequence: missense variant.
Genome position (GRCh38, 1-based): chr9:137,200,378, C>A on the plus strand (G>T on the coding strand, the complement: TPRN is on the minus strand). VCF-style: chr9-137200378-C-A. GRCh37 (hg19) VCF-style: chr9-140094830-C-A.
Other names: short protein forms A112S.
Identifiers: ClinVar variation 4072441 (VCV004072441.1).

ClinVar aggregate classification (germline): Uncertain significance (1 of 4 stars; one submission).

Submission:

GeneDx
Classification: Uncertain significance. Last evaluated: 2025-01-29. Review status: criteria provided, single submitter. Criteria: GeneDx Variant Classification Process June 2021. Collection method: clinical testing. Allele origin: germline. Affected: yes.
Comment: Not observed at significant frequency in large population cohorts (gnomAD); In silico analysis indicates that this missense variant does not alter protein structure/function; Has not been previously published as pathogenic or benign to our knowledge